The following is an entry in ClinVar:

ClinVar aggregate classification (germline): Uncertain significance (1 of 4 stars; one submission).

Conditions:
Microcephaly, normal intelligence and immunodeficiency (NBS). Also called: IMMUNODEFICIENCY, MICROCEPHALY, AND CHROMOSOMAL INSTABILITY; SEEMANOVA SYNDROME II; Immunodeficiency, microcephaly with normal intelligence; Nijmegen breakage syndrome; Microcephaly with normal intelligence immunodeficiency and lymphoreticular malignancies; Nonsyndromal microcephaly autosomal recessive with normal intelligence. Identifiers: Orphanet 647, MedGen C0398791, MONDO:0009623, OMIM 251260.

Submission:

Labcorp Genetics (formerly Invitae), Labcorp
Classification: Uncertain significance for Microcephaly, normal intelligence and immunodeficiency. Last evaluated: 2023-02-10. Review status: criteria provided, single submitter. Criteria: Invitae Variant Classification Sherloc (09022015). Collection method: clinical testing. Allele origin: germline.
Comment: This sequence change falls in intron 11 of the NBN gene. It does not directly change the encoded amino acid sequence of the NBN protein. This variant is not present in population databases (gnomAD no frequency). This variant has not been reported in the literature in individuals affected with NBN-related conditions. RNA analysis provides insufficient evidence to determine the effect of this variant on NBN splicing (Invitae). In summary, the available evidence is currently insufficient to determine the role of this variant in disease. Therefore, it has been classified as a Variant of Uncertain Significance.

NM_002485.5(NBN):c.1846-16T>A

Genes: NBN (nibrin; minus strand), LOC126860438 (MED14-independent group 3 enhancer GRCh37_chr8:90959982-90961181; plus strand). Cytogenetic location: 8q21.3.
Variant type: single nucleotide variant.
Coding change: c.1846-16T>A on transcript NM_002485.5 (MANE Select); 16 bases into the intron before coding-DNA position 1846, T replaced by A.
Molecular consequence: intron variant.
Genome position (GRCh38, 1-based): chr8:89,947,908, A>T on the plus strand (T>A on the coding strand, the complement: NBN is on the minus strand). VCF-style: chr8-89947908-A-T. GRCh37 (hg19) VCF-style: chr8-90960136-A-T.
Other names: c.1600-16T>A (NM_001024688.3).
Identifiers: ClinVar variation 2832357 (VCV002832357.3), dbSNP rs2488210066, ClinGen allele CA2739268863.